The following is an entry in ClinVar:

NM_000179.2(MSH6):c.*5045T>C

Genes: FBXO11 (F-box protein 11; minus strand), MSH6 (mutS homolog 6; plus strand). Cytogenetic location: 2p16.3.
Variant type: single nucleotide variant.
Coding change: c.*5045T>C on transcript NM_000179.2; 5045 bases downstream of the stop codon, T replaced by C.
Molecular consequence: intron variant (on NM_001190274.2).
Genome position (GRCh38, 1-based): chr2:47,811,905, T>C. VCF-style: chr2-47811905-T-C. GRCh37 (hg19) VCF-style: chr2-48039044-T-C.
Other names: c.2227+1329A>G (NM_001190274.2); c.1975+1329A>G (NM_001374325.1, NM_025133.4).
Identifiers: ClinVar variation 89153 (VCV000089153.4), dbSNP rs2537742, ClinGen allele CA330333.

ClinVar aggregate classification (germline): Benign (3 of 4 stars; one submission).

Conditions:
Lynch syndrome. Identifiers: Orphanet 144, MedGen C4552100, MONDO:0005835. Disease mechanism: loss of function.

Allele frequency attached by ClinVar (database versions not stated): 1000 Genomes Project 0.12400; 1000 Genomes Project 30x 0.12539; TOPMed 0.20071.
gnomAD v4.1: 31,265 of 152,098 alleles (21%); highest among the groups gnomAD compares: Non-Finnish European, 25%; 3,554 homozygotes.

Submission:

International Society for Gastrointestinal Hereditary Tumours (InSiGHT)
Classification: Benign for Lynch Syndrome. Last evaluated: 2013-09-05. Review status: reviewed by expert panel. Criteria: Guidelines v1.9. Collection method: research. Allele origin: germline.
Comment: MAF >1%

Classified with v1.9 guidelines
ClinVar note: Converted during submission from no known pathogenicity to Benign.